The following is an entry in ClinVar:

ClinVar aggregate classification (germline): Uncertain significance (1 of 4 stars; one submission).

Submission:

Labcorp Genetics (formerly Invitae), Labcorp
Classification: Uncertain significance. Last evaluated: 2022-07-14. Review status: criteria provided, single submitter. Criteria: Invitae Variant Classification Sherloc (09022015). Collection method: clinical testing. Allele origin: germline.
Comment: ClinVar contains an entry for this variant (Variation ID: 1423004). Experimental studies and prediction algorithms are not available or were not evaluated, and the functional significance of this variant is currently unknown. In summary, the available evidence is currently insufficient to determine the role of this variant in disease. Therefore, it has been classified as a Variant of Uncertain Significance. This variant has not been reported in the literature in individuals affected with COL18A1-related conditions. This sequence change replaces alanine, which is neutral and non-polar, with serine, which is neutral and polar, at codon 1251 of the COL18A1 protein (p.Ala1251Ser). This variant is not present in population databases (gnomAD no frequency).

NM_001379500.1(COL18A1):c.3760G>T (p.Ala1254Ser)

Genes: COL18A1 (collagen type XVIII alpha 1 chain; plus strand), SLC19A1 (solute carrier family 19 member 1; minus strand). Cytogenetic location: 21q22.3.
Variant type: single nucleotide variant.
Coding change: c.3760G>T on transcript NM_001379500.1 (MANE Select); coding-DNA position 3760, G replaced by T.
Protein change: p.Ala1254Ser; replaces alanine 1254 with serine.
Molecular consequence: missense variant.
Genome position (GRCh38, 1-based): chr21:45,511,177, G>T. VCF-style: chr21-45511177-G-T. GRCh37 (hg19) VCF-style: chr21-46931091-G-T.
Other names: c.4291G>T, p.Ala1431Ser (NM_030582.4); c.4996G>T, p.Ala1666Ser (NM_130444.3); short protein forms A1666S, A1431S, A1254S.
Identifiers: ClinVar variation 1423004 (VCV001423004.6), dbSNP rs2037588230, ClinGen allele CA410501982.
Genomic context (GRCh38, chr21:45,511,177, plus strand): 5'-CTGCTGTTTCCCAGCTGGGAGGCTCTGTTCTCAGGCTCTGAGGGTCCGCTGAAGCCCGGG[G>T]CACGCATCTTCTCCTTTGACGGCAAGGACGTCCTGAGGCACCCCACCTGGTAGGTTCCCA-3'
Protein context (NP_001366429.1, residues 1244-1264): SGSEGPLKPG[Ala1254Ser]RIFSFDGKDV